The following is an entry in ClinVar:

NM_000263.4(NAGLU):c.532-239G>C

Gene: NAGLU (N-acetyl-alpha-glucosaminidase; plus strand). Cytogenetic location: 17q21.2.
Variant type: single nucleotide variant.
Coding change: c.532-239G>C on transcript NM_000263.4 (MANE Select); 239 bases into the intron before coding-DNA position 532, G replaced by C.
Molecular consequence: intron variant.
Genome position (GRCh38, 1-based): chr17:42,538,100, G>C. VCF-style: chr17-42538100-G-C. GRCh37 (hg19) VCF-style: chr17-40690118-G-C.
Identifiers: ClinVar variation 682647 (VCV000682647.1), dbSNP rs4792923, ClinGen allele CA14402248.

ClinVar aggregate classification (germline): Benign (1 of 4 stars; one submission).

Allele frequency attached by ClinVar (database versions not stated): 1000 Genomes Project 0.72005; 1000 Genomes Project 30x 0.72720; gnomAD 0.74355 and 0.74884; TOPMed 0.75169.
gnomAD v4.1: 113,086 of 152,100 alleles (74%); highest among the groups gnomAD compares: Admixed American, 80%; 42,243 homozygotes.

Submission:

GeneDx
Classification: Benign. Last evaluated: 2018-06-19. Review status: criteria provided, single submitter. Criteria: GeneDx Variant Classification (06012015). Collection method: clinical testing. Allele origin: germline. Affected: yes.
Comment: This variant is considered likely benign or benign based on one or more of the following criteria: it is a conservative change, it occurs at a poorly conserved position in the protein, it is predicted to be benign by multiple in silico algorithms, and/or has population frequency not consistent with disease.